The following is an entry in ClinVar:

ClinVar aggregate classification (germline): Uncertain significance (1 of 4 stars; one submission).

Conditions:
Neuropathy, hereditary sensory and autonomic, type 2A (HSAN2A). Also called: WNK1-Related HSAN2 (HSAN2A); ACROOSTEOLYSIS, GIACCAI TYPE; ACROOSTEOLYSIS, NEUROGENIC; NEUROPATHY, CONGENITAL SENSORY; NEUROPATHY, HEREDITARY SENSORY RADICULAR, AUTOSOMAL RECESSIVE; NEUROPATHY, HEREDITARY SENSORY, TYPE IIA. Identifiers: Orphanet 970, MedGen C2752089, MONDO:0024309, OMIM 201300.
Generalized epilepsy with febrile seizures plus, type 7 (GEFSP7). Also called: GEFS+, TYPE 7. Identifiers: Orphanet 36387, MedGen C2751778, MONDO:0013470, OMIM 613863.

Submission:

Labcorp Genetics (formerly Invitae), Labcorp
Classification: Uncertain significance for Neuropathy, hereditary sensory and autonomic, type 2A; Generalized epilepsy with febrile seizures plus, type 7. Last evaluated: 2025-04-14. Review status: criteria provided, single submitter. Criteria: Invitae Variant Classification Sherloc (09022015). Collection method: clinical testing. Allele origin: germline.
Comment: This sequence change replaces aspartic acid, which is acidic and polar, with glutamic acid, which is acidic and polar, at codon 623 of the SCN9A protein (p.Asp623Glu). This variant is not present in population databases (gnomAD no frequency). This variant has not been reported in the literature in individuals affected with SCN9A-related conditions. ClinVar contains an entry for this variant (Variation ID: 2074158). Invitae Evidence Modeling of protein sequence and biophysical properties (such as structural, functional, and spatial information, amino acid conservation, physicochemical variation, residue mobility, and thermodynamic stability) indicates that this missense variant is not expected to disrupt SCN9A protein function with a negative predictive value of 95%. In summary, the available evidence is currently insufficient to determine the role of this variant in disease. Therefore, it has been classified as a Variant of Uncertain Significance.

NM_001365536.1(SCN9A):c.1869C>G (p.Asp623Glu)

Genes: SCN9A (sodium voltage-gated channel alpha subunit 9; minus strand), SCN1A-AS1 (SCN1A and SCN9A antisense RNA 1; plus strand). Cytogenetic location: 2q24.3.
Variant type: single nucleotide variant.
Coding change: c.1869C>G on transcript NM_001365536.1 (MANE Select); coding-DNA position 1869, C replaced by G.
Protein change: p.Asp623Glu; replaces aspartic acid 623 with glutamic acid.
Molecular consequence: missense variant.
Genome position (GRCh38, 1-based): chr2:166,284,558, G>C on the plus strand (C>G on the coding strand, the complement: SCN9A is on the minus strand). VCF-style: chr2-166284558-G-C. GRCh37 (hg19) VCF-style: chr2-167141068-G-C.
Other names: c.1869C>G, p.Asp623Glu (NM_002977.4); short protein forms D623E.
Identifiers: ClinVar variation 2074158 (VCV002074158.4), dbSNP rs2468033169, ClinGen allele CA349082892.